The following is an entry in ClinVar:

ClinVar aggregate classification (germline): Uncertain significance (1 of 4 stars; one submission).

Allele frequency attached by ClinVar (database versions not stated): ExAC 0.00001; gnomAD exomes 0.00001.
gnomAD v4.1: 3 of 1,567,452 alleles (0.00019%); highest among the groups gnomAD compares: Admixed American, 0.0061%; no homozygotes.

Submission:

Labcorp Genetics (formerly Invitae), Labcorp
Classification: Uncertain significance. Last evaluated: 2022-07-29. Review status: criteria provided, single submitter. Criteria: Invitae Variant Classification Sherloc (09022015). Collection method: clinical testing. Allele origin: germline.
Comment: This variant has not been reported in the literature in individuals affected with RXYLT1-related conditions. In summary, the available evidence is currently insufficient to determine the role of this variant in disease. Therefore, it has been classified as a Variant of Uncertain Significance. Algorithms developed to predict the effect of missense changes on protein structure and function output the following: SIFT: "Tolerated"; PolyPhen-2: "Benign"; Align-GVGD: "Class C0". The lysine amino acid residue is found in multiple mammalian species, which suggests that this missense change does not adversely affect protein function. This variant is present in population databases (rs778077083, gnomAD 0.008%). This sequence change replaces asparagine, which is neutral and polar, with lysine, which is basic and polar, at codon 431 of the RXYLT1 protein (p.Asn431Lys).

NM_014254.3(RXYLT1):c.1293T>A (p.Asn431Lys)

Genes: RXYLT1 (ribitol xylosyltransferase 1; plus strand), RXYLT1-AS1 (RXYLT1 antisense RNA 1; minus strand). Cytogenetic location: 12q14.2.
Variant type: single nucleotide variant.
Coding change: c.1293T>A on transcript NM_014254.3 (MANE Select); coding-DNA position 1293, T replaced by A.
Protein change: p.Asn431Lys; replaces asparagine 431 with lysine.
Molecular consequence: missense variant.
Genome position (GRCh38, 1-based): chr12:63,809,053, T>A. VCF-style: chr12-63809053-T-A. GRCh37 (hg19) VCF-style: chr12-64202833-T-A.
Other names: c.513T>A, p.Asn171Lys (NM_001278237.2); short protein forms N431K, N171K.
Identifiers: ClinVar variation 1979456 (VCV001979456.3), dbSNP rs778077083, ClinGen allele CA6666269.